The following is an entry in ClinVar:

ClinVar aggregate classification (germline): Benign/Likely benign. Review status: criteria provided, multiple submitters, no conflicts (2 of 4 stars). 10 submissions from 9 submitters: Benign (3); Likely benign (7). Last evaluated 2026-01-28.

Conditions:
USH2A-related disorder. Also called: USH2A-related condition; USH2A-related disorders. Identifiers: MedGen CN239332.
Retinitis pigmentosa 39 (RP39). Identifiers: Orphanet 791, MedGen C3151138, MONDO:0013436, OMIM 613809.
Usher syndrome type 2A. Also called: RETINAL DISEASE IN USHER SYNDROME TYPE IIA, MODIFIER OF; USHER SYNDROME, TYPE IIA. Identifiers: Orphanet 231178, Orphanet 886, MedGen C1848634, MONDO:0010169, OMIM 276901.

Allele frequency attached by ClinVar (database versions not stated): gnomAD exomes 0.00004 and 0.00011; ExAC 0.00012; ESP Exome Variant Server 0.00023; gnomAD 0.00056 and 0.00061; 1000 Genomes Project 0.00080; 1000 Genomes Project 30x 0.00094; TOPMed 0.00111.
gnomAD v4.1: 166 of 1,613,682 alleles (0.01%); highest among the groups gnomAD compares: Admixed American, 0.14%; 3 homozygotes.

Submissions (10):

Labcorp Genetics (formerly Invitae), Labcorp
Classification: Likely benign. Last evaluated: 2026-01-28. Review status: criteria provided, single submitter. Criteria: Invitae Variant Classification Sherloc (09022015). Collection method: clinical testing. Allele origin: germline.

PreventionGenetics, part of Exact Sciences
Classification: Likely benign for USH2A-related condition. Last evaluated: 2024-12-30. Review status: criteria provided, single submitter. Criteria: ACMG Guidelines, 2015. Collection method: clinical testing. Allele origin: germline.
Comment: This variant is classified as likely benign based on ACMG/AMP sequence variant interpretation guidelines (Richards et al. 2015 PMID: 25741868, with internal and published modifications).

Blueprint Genetics
Classification: Likely benign. Last evaluated: 2024-07-30. Review status: criteria provided, single submitter. Criteria: ACMG Guidelines, 2015. Collection method: clinical testing. Allele origin: germline.

Genome-Nilou Lab
Classification: Benign for Retinitis pigmentosa 39. Last evaluated: 2023-11-04. Review status: criteria provided, single submitter. Criteria: ACMG Guidelines, 2015. Collection method: clinical testing. Allele origin: germline. Affected: no.

Genome-Nilou Lab
Classification: Benign for Usher syndrome type 2A. Last evaluated: 2023-11-04. Review status: criteria provided, single submitter. Criteria: ACMG Guidelines, 2015. Collection method: clinical testing. Allele origin: germline. Affected: no.

Fulgent Genetics
Classification: Likely benign for Usher syndrome type 2A; Retinitis pigmentosa 39. Last evaluated: 2021-10-14. Review status: criteria provided, single submitter. Criteria: ACMG Guidelines, 2015. Collection method: clinical testing. Allele origin: unknown.

GeneDx
Classification: Likely benign. Last evaluated: 2020-05-11. Review status: criteria provided, single submitter. Criteria: GeneDx Variant Classification Process June 2021. Collection method: clinical testing. Allele origin: germline. Affected: yes.

ARUP Laboratories, Molecular Genetics and Genomics, ARUP Laboratories
Classification: Benign. Last evaluated: 2019-03-12. Review status: criteria provided, single submitter. Criteria: ARUP Molecular Germline Variant Investigation Process. Collection method: clinical testing. Allele origin: germline.

Laboratory for Molecular Medicine, Mass General Brigham Personalized Medicine
Classification: Likely benign. Last evaluated: 2012-04-30. Review status: criteria provided, single submitter. Criteria: LMM Criteria. Collection method: clinical testing. Allele origin: germline. Observed: 2 variant alleles.
Comment: Ala2308Ala in Exon 36 of USH2A: This variant is not expected to have clinical si gnificance because it does not alter an amino acid residue, is not located withi n the splice consensus sequence, and has been identified in 0.1% (3/3738) of Afr ican American chromosomes from a broad population by the NHLBI Exome Sequencing Project (dbSNP rs148504065).

Breakthrough Genomics
Classification: Likely benign. Review status: criteria provided, single submitter. Criteria: ACMG Guidelines, 2015. Collection method: not provided. Allele origin: germline. Inheritance: Autosomal recessive inheritance. Affected: yes.

NM_206933.4(USH2A):c.6924A>G (p.Ala2308=)

Gene: USH2A (usherin; minus strand). Cytogenetic location: 1q41.
Variant type: single nucleotide variant.
Coding change: c.6924A>G on transcript NM_206933.4 (MANE Select); coding-DNA position 6924, A replaced by G.
Protein change: p.Ala2308=; no amino-acid change (alanine 2308 retained).
Molecular consequence: synonymous variant.
Genome position (GRCh38, 1-based): chr1:215,970,658, T>C on the plus strand (A>G on the coding strand, the complement: USH2A is on the minus strand). VCF-style: chr1-215970658-T-C. GRCh37 (hg19) VCF-style: chr1-216144000-T-C.
Identifiers: ClinVar variation 166476 (VCV000166476.30), dbSNP rs148504065, ClinGen allele CA179538.